The following is an entry in ClinVar:

NM_206933.4(USH2A):c.5719del (p.Leu1907fs)

Genes: USH2A (usherin; minus strand), USH2A-AS2 (USH2A antisense RNA 2; plus strand). Cytogenetic location: 1q41.
Variant type: Deletion.
Coding change: c.5719del on transcript NM_206933.4 (MANE Select); coding-DNA position 5719, one base deleted (C; older notation c.5719delC).
Protein change: p.Leu1907fs; shifts the reading frame from leucine 1907.
Molecular consequence: frameshift variant.
Genome position (GRCh38, 1-based): chr1:216,073,154, G deleted on the plus strand (C on the coding strand, the reverse complement: USH2A is on the minus strand); the first of 2 consecutive G bases (chr1:216,073,154-216,073,155); deleting either gives the same sequence. VCF-style (leftmost placement, unchanged base first): chr1-216073153-AG-A. GRCh37 (hg19) VCF-style: chr1-216246495-AG-A.
Other names: short protein forms L1907fs.
Identifiers: ClinVar variation 2997634 (VCV002997634.4), dbSNP rs2527777992, ClinGen allele CA2650509302.
Genomic context (GRCh38, chr1:216,073,153, plus strand): 5'-TTACCTGTAAAAGGCTGGAGACCACCCTCGTAAACACTCTGCTCTTTTCCCTGGTAAACC[AG>A]GATGGAGTCATTTCCCCTGCAGTTAACAGCACTGTCAGTTGATAGGCATCCATCCAGATT-3'

ClinVar aggregate classification (germline): Pathogenic. Review status: criteria provided, multiple submitters, no conflicts (2 of 4 stars). 2 submissions from 2 submitters: Pathogenic (2). Last evaluated 2026-09-08.

Conditions:
USH2A-related disorder. Also called: USH2A-related condition; USH2A-related disorders. Identifiers: MedGen CN239332.

Submissions (2):

Myriad Genetics, Inc.
Classification: Pathogenic for USH2A-related disorder. Last evaluated: 2026-09-08. Review status: criteria provided, single submitter. Criteria: Myriad Autosomal Dominant, Autosomal Recessive and X-Linked Classification Criteria (2023). Collection method: clinical testing. Allele origin: unknown.
Comment: NM_206933.2(USH2A):c.5719delC(L1907Wfs*25) is a frameshift variant classified as pathogenic in the context of USH2A-related disorders. L1907Wfs*25 has not been observed in cases with relevant disease. Relevant functional assessments of this variant are not available in the literature. L1907Wfs*25 has not been observed in referenced population frequency databases. In summary, NM_206933.2(USH2A):c.5719delC(L1907Wfs*25) is a frameshift variant in a gene where loss of function is a known mechanism of disease and is predicted to disrupt protein function. Please note: this variant was assessed in the context of healthy population screening.

Labcorp Genetics (formerly Invitae), Labcorp
Classification: Pathogenic. Last evaluated: 2022-12-21. Review status: criteria provided, single submitter. Criteria: Invitae Variant Classification Sherloc (09022015). Collection method: clinical testing. Allele origin: germline.
Comment: For these reasons, this variant has been classified as Pathogenic. This variant has not been reported in the literature in individuals affected with USH2A-related conditions. This variant is not present in population databases (gnomAD no frequency). This sequence change creates a premature translational stop signal (p.Leu1907Trpfs*25) in the USH2A gene. It is expected to result in an absent or disrupted protein product. Loss-of-function variants in USH2A are known to be pathogenic (PMID: 10729113, 10909849, 20507924, 25649381).

Literature cited by the submitters: PubMed 10729113 (cited by Labcorp Genetics (formerly Invitae), Labcorp); PubMed 10909849 (cited by Labcorp Genetics (formerly Invitae), Labcorp); PubMed 20507924 (cited by Labcorp Genetics (formerly Invitae), Labcorp); PubMed 25649381 (cited by Labcorp Genetics (formerly Invitae), Labcorp).